The following is an entry in ClinVar:

ClinVar aggregate classification (germline): Uncertain significance (1 of 4 stars; one submission).

Allele frequency attached by ClinVar (database versions not stated): gnomAD 0.00001; TOPMed 0.00001.
gnomAD v4.1: 2 of 1,614,104 alleles (0.00012%); highest among the groups gnomAD compares: African/African-American, 0.0027%; no homozygotes.

Submission:

Labcorp Genetics (formerly Invitae), Labcorp
Classification: Uncertain significance. Last evaluated: 2024-01-04. Review status: criteria provided, single submitter. Criteria: Invitae Variant Classification Sherloc (09022015). Collection method: clinical testing. Allele origin: germline.
Comment: This sequence change replaces alanine, which is neutral and non-polar, with threonine, which is neutral and polar, at codon 284 of the HYOU1 protein (p.Ala284Thr). This variant is not present in population databases (gnomAD no frequency). This variant has not been reported in the literature in individuals affected with HYOU1-related conditions. ClinVar contains an entry for this variant (Variation ID: 1481561). An algorithm developed to predict the effect of missense changes on protein structure and function (PolyPhen-2) suggests that this variant is likely to be disruptive. In summary, the available evidence is currently insufficient to determine the role of this variant in disease. Therefore, it has been classified as a Variant of Uncertain Significance.

NM_006389.5(HYOU1):c.850G>A (p.Ala284Thr)

Gene: HYOU1 (hypoxia up-regulated 1; minus strand). Cytogenetic location: 11q23.3.
Variant type: single nucleotide variant.
Coding change: c.850G>A on transcript NM_006389.5 (MANE Select); coding-DNA position 850, G replaced by A.
Protein change: p.Ala284Thr; replaces alanine 284 with threonine.
Molecular consequence: missense variant.
Genome position (GRCh38, 1-based): chr11:119,052,774, C>T on the plus strand (G>A on the coding strand, the complement: HYOU1 is on the minus strand). VCF-style: chr11-119052774-C-T. GRCh37 (hg19) VCF-style: chr11-118923486-C-T.
Other names: c.850G>A, p.Ala284Thr (NM_001130991.3); short protein forms A284T.
Identifiers: ClinVar variation 1481561 (VCV001481561.6), dbSNP rs1287057848, ClinGen allele CA382944377.